The following is an entry in ClinVar:

NM_004655.4(AXIN2):c.452C>A (p.Pro151His)

Gene: AXIN2 (axin 2; minus strand). Cytogenetic location: 17q24.1.
Variant type: single nucleotide variant.
Coding change: c.452C>A on transcript NM_004655.4 (MANE Select); coding-DNA position 452, C replaced by A.
Protein change: p.Pro151His; replaces proline 151 with histidine.
Molecular consequence: missense variant.
Genome position (GRCh38, 1-based): chr17:65,558,169, G>T on the plus strand (C>A on the coding strand, the complement: AXIN2 is on the minus strand). VCF-style: chr17-65558169-G-T. GRCh37 (hg19) VCF-style: chr17-63554287-G-T.
Other names: c.452C>A, p.Pro151His (NM_001363813.1); short protein forms P151H.
Identifiers: ClinVar variation 5032545 (VCV005032545.1).

ClinVar aggregate classification (germline): Uncertain significance (1 of 4 stars; one submission).

Conditions:
Hereditary cancer-predisposing syndrome. Also called: Neoplastic Syndromes, Hereditary; Tumor predisposition; Hereditary neoplastic syndrome; Hereditary Cancer Syndrome. Identifiers: Orphanet 140162, MedGen C0027672, MeSH D009386, MONDO:0015356.

Submission:

Ambry Genetics
Classification: Uncertain significance for Hereditary cancer-predisposing syndrome. Last evaluated: 2026-07-06. Review status: criteria provided, single submitter. Criteria: Ambry Variant Classification Scheme 2023. Collection method: clinical testing. Allele origin: germline.
Comment: The p.P151H variant (also known as c.452C>A), located in coding exon 1 of the AXIN2 gene, results from a C to A substitution at nucleotide position 452. The proline at codon 151 is replaced by histidine, an amino acid with similar properties. This amino acid position is conserved. In addition, the in silico prediction for this alteration is inconclusive. Based on the available evidence, the clinical significance of this variant remains unclear.